The following is an entry in ClinVar:

NM_004006.3(DMD):c.6637T>G (p.Leu2213Val)

Gene: DMD (dystrophin; minus strand). Cytogenetic location: Xp21.1.
Variant type: single nucleotide variant.
Coding change: c.6637T>G on transcript NM_004006.3 (MANE Select); coding-DNA position 6637, T replaced by G.
Protein change: p.Leu2213Val; replaces leucine 2213 with valine.
Molecular consequence: missense variant. On other transcripts: 5 prime UTR variant (5).
Genome position (GRCh38, 1-based): chrX:31,932,205, A>C on the plus strand (T>G on the coding strand, the complement: DMD is on the minus strand). VCF-style: chrX-31932205-A-C. GRCh37 (hg19) VCF-style: chrX-31950322-A-C.
Other names: c.6613T>G, p.Leu2205Val (NM_000109.4); c.6625T>G, p.Leu2209Val (NM_004009.3); c.6268T>G, p.Leu2090Val (NM_004010.3); c.2614T>G, p.Leu872Val (NM_004011.4); c.2605T>G, p.Leu869Val (NM_004012.4); c.-744T>G (NM_004013.3, NM_004020.4, NM_004021.3 and 2 more transcripts); short protein forms L2205V, L872V, L2090V, L869V, L2209V, L2213V.
Identifiers: ClinVar variation 2849470 (VCV002849470.3), dbSNP rs1603615889, ClinGen allele CA412658382.

ClinVar aggregate classification (germline): Uncertain significance (1 of 4 stars; one submission).

Conditions:
Duchenne muscular dystrophy (DMD). Also called: MUSCULAR DYSTROPHY, PSEUDOHYPERTROPHIC PROGRESSIVE, DUCHENNE TYPE; Duchenne Muscular Dystrophy (DMD). Identifiers: Orphanet 98896, MedGen C0013264, MONDO:0010679, OMIM 310200.

Submission:

Labcorp Genetics (formerly Invitae), Labcorp
Classification: Uncertain significance for Duchenne muscular dystrophy. Last evaluated: 2025-02-05. Review status: criteria provided, single submitter. Criteria: Invitae Variant Classification Sherloc (09022015). Collection method: clinical testing. Allele origin: germline.
Comment: This sequence change replaces leucine, which is neutral and non-polar, with valine, which is neutral and non-polar, at codon 2213 of the DMD protein (p.Leu2213Val). This variant is not present in population databases (gnomAD no frequency). This variant has not been reported in the literature in individuals affected with DMD-related conditions. ClinVar contains an entry for this variant (Variation ID: 2849470). Invitae Evidence Modeling of protein sequence and biophysical properties (such as structural, functional, and spatial information, amino acid conservation, physicochemical variation, residue mobility, and thermodynamic stability) indicates that this missense variant is not expected to disrupt DMD protein function with a negative predictive value of 95%. In summary, the available evidence is currently insufficient to determine the role of this variant in disease. Therefore, it has been classified as a Variant of Uncertain Significance.